The following is an entry in ClinVar:

ClinVar aggregate classification (germline): Pathogenic. Review status: criteria provided, multiple submitters, no conflicts (2 of 4 stars). 4 submissions from 4 submitters: Pathogenic (3). 1 of the submissions does not count toward it. Last evaluated 2026-01-13.

Conditions:
Muscular dystrophy, limb-girdle, autosomal dominant 4. Also called: Calpain-3-related limb-girdle muscular dystrophy D4; MUSCULAR DYSTROPHY, LIMB-GIRDLE, TYPE 1I. Identifiers: Orphanet 565909, MedGen C4748295, MONDO:0029133, OMIM 618129.
Autosomal recessive limb-girdle muscular dystrophy type 2A (LGMDR1). Also called: LEYDEN-MOEBIUS MUSCULAR DYSTROPHY; MUSCULAR DYSTROPHY, PELVOFEMORAL; Limb-girdle muscular dystrophy, type 2A; Calpainopathy; Muscular dystrophy, limb-girdle, type 2A, Amish. Identifiers: Orphanet 267, MedGen C1869123, MONDO:0009675, OMIM 253600. Disease mechanism: loss of function.

Submissions (4):

Labcorp Genetics (formerly Invitae), Labcorp
Classification: Pathogenic for Autosomal recessive limb-girdle muscular dystrophy type 2A. Last evaluated: 2026-01-13. Review status: criteria provided, single submitter. Criteria: Invitae Variant Classification Sherloc (09022015). Collection method: clinical testing. Allele origin: germline.
Comment: This sequence change creates a premature translational stop signal (p.His690Argfs*9) in the CAPN3 gene. It is expected to result in an absent or disrupted protein product. Loss-of-function variants in CAPN3 are known to be pathogenic (PMID: 10330340, 15689361). This variant is not present in population databases (gnomAD no frequency). This premature translational stop signal has been observed in individual(s) with inherited muscular disorders, including autosomal recessive limb-girdle muscular dystrophy (PMID: 7720071, 21204801, 27363342). For these reasons, this variant has been classified as Pathogenic.

Natera, Inc.
Classification: Pathogenic for Limb-girdle muscular dystrophy type 2A. Last evaluated: 2025-09-24. Review status: criteria provided, single submitter. Criteria: Natera Variant Classification Schema (03/2026). Collection method: clinical testing. Allele origin: germline.
Comment: The c.2069_2070delAC variant in CAPN3 is a frameshift variant predicted to shift the reading frame beginning at codon 690 and leads to a stop codon 9 codons downstream. This variant is expected to result in nonsense mediated decay, truncation, or a dysfunctional protein product. This variant is rare in the general population with a frequency below the threshold expected for the associated phenotype(s). This variant has been observed in one or more individuals affected with the associated recessive disease, as either homozygous or compound heterozygous with a second variant (PMID: 10330340, 34298987, 15689361). Given the available evidence, this variant is classified as Pathogenic.

Baylor Genetics
Classification: Pathogenic for Muscular dystrophy, limb-girdle, autosomal dominant 4. Last evaluated: 2023-12-29. Review status: criteria provided, single submitter. Criteria: ACMG Guidelines, 2015. Collection method: clinical testing. Allele origin: unknown.

Counsyl
Classification: Pathogenic for Autosomal recessive limb-girdle muscular dystrophy type 2A. Last evaluated: 2017-10-09. Review status: no assertion criteria provided. Collection method: clinical testing. Allele origin: unknown. Not counted in ClinVar's aggregate classification.

Literature cited by the submitters: PubMed 10330340 (cited by Labcorp Genetics (formerly Invitae), Labcorp and Natera, Inc.); PubMed 15689361 (cited by Labcorp Genetics (formerly Invitae), Labcorp and Natera, Inc.); PubMed 7720071 (cited by Labcorp Genetics (formerly Invitae), Labcorp and Counsyl); PubMed 21204801 (cited by Labcorp Genetics (formerly Invitae), Labcorp); PubMed 27363342 (cited by Labcorp Genetics (formerly Invitae), Labcorp); PubMed 34298987 (cited by Natera, Inc.); PubMed 18563459 (cited by Counsyl).

NM_000070.3(CAPN3):c.2069_2070del (p.His690fs)

Gene: CAPN3 (calpain 3; plus strand). Cytogenetic location: 15q15.1.
Variant type: Microsatellite.
Coding change: c.2069_2070del on transcript NM_000070.3 (MANE Select); coding-DNA positions 2069 to 2070, 2 bases deleted (AC; older notation c.2069_2070delAC).
Protein change: p.His690fs; shifts the reading frame from histidine 690.
Molecular consequence: frameshift variant.
Genome position (GRCh38, 1-based): chr15:42,409,949-42,409,950, AC deleted; deleting any 2 consecutive bases within chr15:42,409,945-42,409,950 gives the same sequence; the c. name uses the placement nearest the transcript's 3' end. VCF-style (leftmost placement, unchanged base first): chr15-42409944-GAC-G. GRCh37 (hg19) VCF-style: chr15-42702142-GAC-G.
Other names: c.2051_2052del, p.His684fs (NM_024344.2); c.1793_1794del, p.His598fs (NM_173087.2); c.533_534del, p.His178fs (NM_173088.2); c.74_75del, p.His25fs (NM_173089.2, NM_173090.2); short protein forms H178fs, H684fs, H598fs, H690fs, H25fs.
Identifiers: ClinVar variation 551927 (VCV000551927.13), dbSNP rs1555423046, ClinGen allele CA658824215.